The following is an entry in ClinVar:

ClinVar aggregate classification (germline): Likely pathogenic (1 of 4 stars; one submission).

Conditions:
Usher syndrome type 3. Also called: Usher Syndrome, Type III. Identifiers: Orphanet 231183, MedGen C1568248, MONDO:0016485.

Submission:

Natera, Inc.
Classification: Likely pathogenic for Usher syndrome type 3. Last evaluated: 2024-07-26. Review status: criteria provided, single submitter. Criteria: Natera Variant Classification Schema (03/2026). Collection method: clinical testing. Allele origin: germline.
Comment: The c.154_155insTT variant in CLRN1 is a frameshift variant predicted to shift the reading frame beginning at codon 52 and leads to a stop codon 21 codons downstream. This variant is expected to result in nonsense mediated decay, truncation, or a dysfunctional protein product. This variant is rare in the general population with a frequency below the threshold expected for the associated phenotype(s). Given the available evidence, this variant is classified as Likely Pathogenic.

NM_174878.3(CLRN1):c.154_155insTT (p.Gln52fs)

Gene: CLRN1 (clarin 1; minus strand). Cytogenetic location: 3q25.1.
Variant type: Insertion.
Coding change: c.154_155insTT on transcript NM_174878.3 (MANE Select); coding-DNA positions 154 to 155, TT inserted.
Protein change: p.Gln52fs; shifts the reading frame from glutamine 52.
Molecular consequence: frameshift variant. On other transcripts: non-coding transcript variant (1).
Genome position: GRCh38 VCF-style: chr3-150972554-T-TAA. GRCh37 (hg19) VCF-style: chr3-150690341-T-TAA.
Other names: c.154_155insTT, p.Gln52fs (NM_001195794.1, NM_001256819.2); short protein forms Q52fs.
Identifiers: ClinVar variation 4816962 (VCV004816962.1).